The following is an entry in ClinVar:

NM_001267550.2(TTN):c.59719_59720insATT (p.Gly19906_Ser19907insTyr)

Genes: TTN (titin; minus strand), TTN-AS1 (TTN antisense RNA 1; plus strand), LOC126806424 (CDK7 strongly-dependent group 2 enhancer GRCh37_chr2:179456337-179457536; plus strand). Cytogenetic location: 2q31.2.
Variant type: Insertion.
Coding change: c.59719_59720insATT on transcript NM_001267550.2 (MANE Select); coding-DNA positions 59719 to 59720, ATT inserted.
Protein change: p.Gly19906_Ser19907insTyr.
Molecular consequence: inframe insertion.
Genome position: GRCh38 VCF-style: chr2-178592184-G-GAAT. GRCh37 (hg19) VCF-style: chr2-179456911-G-GAAT.
Other names: c.54796_54797insATT, p.Gly18265_Ser18266insTyr (NM_001256850.1); c.32524_32525insATT, p.Gly10841_Ser10842insTyr (NM_003319.4); c.52015_52016insATT, p.Gly17338_Ser17339insTyr (NM_133378.4); c.32899_32900insATT, p.Gly10966_Ser10967insTyr (NM_133432.3); c.33100_33101insATT, p.Gly11033_Ser11034insTyr (NM_133437.4); c.59719_59720insATT (NM_001267550.1).
Identifiers: ClinVar variation 1729426 (VCV001729426.3), dbSNP rs2469516303, ClinGen allele CA430266783.
Genomic context (GRCh38, chr2:178,592,184, plus strand): 5'-AGAGGTGACCACTGGGCGCTGGCAACATCTCTCCTCTCAACCACATAATTGGTAATAACA[G>GAAT]AACCACCATCATCCAGTGGTTCTTTCCAAGTAAGGTAACATGAATCTTTCCTAATTTCAC-3'

ClinVar aggregate classification (germline): Uncertain significance. Review status: criteria provided, multiple submitters, no conflicts (2 of 4 stars). 2 submissions from 2 submitters: Uncertain significance (2). Last evaluated 2024-06-04.

Conditions:
Cardiovascular phenotype. Identifiers: MedGen CN230736.

Submissions (2):

GeneDx
Classification: Uncertain significance. Last evaluated: 2024-06-04. Review status: criteria provided, single submitter. Criteria: GeneDx Variant Classification Process June 2021. Collection method: clinical testing. Allele origin: germline. Affected: yes.
Comment: Not observed at significant frequency in large population cohorts (gnomAD); In-frame insertion of 1 amino acid in a gene in which most reported pathogenic variants are truncating/loss of function; Has not been previously published as pathogenic or benign to our knowledge

Ambry Genetics
Classification: Uncertain significance for Cardiovascular phenotype. Last evaluated: 2021-03-19. Review status: criteria provided, single submitter. Criteria: Ambry Variant Classification Scheme 2023. Collection method: clinical testing. Allele origin: germline.
Comment: The c.32524_32525insATT variant (also known as p.G10841_S10842insY), located in coding exon 129 of the TTN gene, results from an in-frame ATT insertion at nucleotide positions 32524 to 32525. This results in the insertion of an extra tyrosine residue between codons 10841 and 10842. This amino acid region is well conserved in available vertebrate species. In addition, this alteration is predicted to be deleterious by in silico analysis (Choi Y et al. PLoS ONE. 2012; 7(10):e46688). Since supporting evidence is limited at this time, the clinical significance of this alteration remains unclear.